The following is an entry in ClinVar:

NM_005465.7(AKT3):c.964G>T (p.Asp322Tyr)

Gene: AKT3 (AKT serine/threonine kinase 3; minus strand). Cytogenetic location: 1q44.
Variant type: single nucleotide variant.
Coding change: c.964G>T on transcript NM_005465.7 (MANE Select); coding-DNA position 964, G replaced by T.
Protein change: p.Asp322Tyr; replaces aspartic acid 322 with tyrosine.
Molecular consequence: missense variant.
Genome position (GRCh38, 1-based): chr1:243,552,928, C>A on the plus strand (G>T on the coding strand, the complement: AKT3 is on the minus strand). VCF-style: chr1-243552928-C-A. GRCh37 (hg19) VCF-style: chr1-243716230-C-A.
Other names: c.964G>T, p.Asp322Tyr (NM_001206729.2, NM_001370074.1, NM_181690.2); short protein forms D322Y.
Identifiers: ClinVar variation 1065925 (VCV001065925.9), dbSNP rs1064795602, ClinGen allele CA345670430.

ClinVar aggregate classification (germline): Likely pathogenic (1 of 4 stars; one submission).

Conditions:
Megalencephaly-polymicrogyria-polydactyly-hydrocephalus syndrome 2 (MPPH2). Also called: MEGALENCEPHALY-POLYMICROGYRIA-POLYDACTYLY-HYDROCEPHALUS SYNDROME 2, SOMATIC. Identifiers: Orphanet 83473, MedGen C4014738, MONDO:0014407, OMIM 615937.

Submission:

Labcorp Genetics (formerly Invitae), Labcorp
Classification: Likely pathogenic for Megalencephaly-polymicrogyria-polydactyly-hydrocephalus syndrome 2. Last evaluated: 2020-09-15. Review status: criteria provided, single submitter. Criteria: Invitae Variant Classification Sherloc (09022015). Collection method: clinical testing. Allele origin: germline.
Comment: In summary, the currently available evidence indicates that the variant is pathogenic, but additional data are needed to prove that conclusively. Therefore, this variant has been classified as Likely Pathogenic. This variant disrupts the p.Asp322 amino acid residue in AKT3. Other variant(s) that disrupt this residue have been determined to be pathogenic (PMID: 28969385). This suggests that this residue is clinically significant, and that variants that disrupt this residue are likely to be disease-causing. Advanced modeling of protein sequence and biophysical properties (such as structural, functional, and spatial information, amino acid conservation, physicochemical variation, residue mobility, and thermodynamic stability) performed at Invitae indicates that this missense variant is expected to disrupt AKT3 protein function. This variant has not been reported in the literature in individuals with AKT3-related conditions. This variant is not present in population databases (ExAC no frequency). This sequence change replaces aspartic acid with tyrosine at codon 322 of the AKT3 protein (p.Asp322Tyr). The aspartic acid residue is highly conserved and there is a large physicochemical difference between aspartic acid and tyrosine.

Literature cited by the submitters: PubMed 28969385.